The following is an entry in ClinVar:

ClinVar aggregate classification (germline): Uncertain significance (1 of 4 stars; one submission).

gnomAD v4.1: 3 of 1,554,692 alleles (0.00019%); highest among the groups gnomAD compares: Non-Finnish European, 0.00026%; no homozygotes.

Submission:

Labcorp Genetics (formerly Invitae), Labcorp
Classification: Uncertain significance. Last evaluated: 2025-10-27. Review status: criteria provided, single submitter. Criteria: Invitae Variant Classification Sherloc (09022015). Collection method: clinical testing. Allele origin: germline.
Comment: This sequence change replaces proline, which is neutral and non-polar, with threonine, which is neutral and polar, at codon 153 of the TCIRG1 protein (p.Pro153Thr). The frequency data for this variant in the population databases is considered unreliable, as metrics indicate poor data quality at this position in the gnomAD database. This variant has not been reported in the literature in individuals affected with TCIRG1-related conditions. Invitae Evidence Modeling of protein sequence and biophysical properties (such as structural, functional, and spatial information, amino acid conservation, physicochemical variation, residue mobility, and thermodynamic stability) indicates that this missense variant is not expected to disrupt TCIRG1 protein function with a negative predictive value of 80%. In summary, the available evidence is currently insufficient to determine the role of this variant in disease. Therefore, it has been classified as a Variant of Uncertain Significance.

NM_006019.4(TCIRG1):c.457C>A (p.Pro153Thr)

Gene: TCIRG1 (T cell immune regulator 1, ATPase H+ transporting V0 subunit a3; plus strand). Cytogenetic location: 11q13.2.
Variant type: single nucleotide variant.
Coding change: c.457C>A on transcript NM_006019.4 (MANE Select); coding-DNA position 457, C replaced by A.
Protein change: p.Pro153Thr; replaces proline 153 with threonine.
Molecular consequence: missense variant. On other transcripts: 5 prime UTR variant (2), intron variant (6).
Genome position (GRCh38, 1-based): chr11:68,042,985, C>A. VCF-style: chr11-68042985-C-A. GRCh37 (hg19) VCF-style: chr11-67810452-C-A.
Other names: c.-793C>A (NM_001351059.2); c.457C>A, p.Pro153Thr (NM_001440552.1, NM_001440553.1, NM_001440554.1 and 5 more transcripts); c.415C>A, p.Pro139Thr (NM_001440555.1, NM_001440556.1, NM_001440563.1); c.157C>A, p.Pro53Thr (NM_001440565.1); c.-531C>A (NM_006053.4); c.417+122C>A (NM_001440561.1, NM_001440566.1, NM_001440562.1 and 1 more transcripts); c.375+122C>A (NM_001440564.1, NM_001440568.1); short protein forms P139T, P153T, P53T.
Identifiers: ClinVar variation 4708737 (VCV004708737.1).